The following is an entry in ClinVar:

ClinVar aggregate classification (germline): Uncertain significance (1 of 4 stars; one submission).

Conditions:
Lymphoproliferative syndrome 1 (LPFS1). Identifiers: Orphanet 238505, Orphanet 538963, MedGen C3552634, MONDO:0013081, OMIM 613011.

gnomAD v4.1: 2 of 1,612,700 alleles (0.00012%); highest among the groups gnomAD compares: Admixed American, 0.0017%; no homozygotes.

Submission:

Labcorp Genetics (formerly Invitae), Labcorp
Classification: Uncertain significance for Lymphoproliferative syndrome 1. Last evaluated: 2024-10-21. Review status: criteria provided, single submitter. Criteria: Invitae Variant Classification Sherloc (09022015). Collection method: clinical testing. Allele origin: germline.
Comment: This sequence change replaces valine, which is neutral and non-polar, with leucine, which is neutral and non-polar, at codon 282 of the ITK protein (p.Val282Leu). This variant is present in population databases (rs202191474, gnomAD no frequency). This variant has not been reported in the literature in individuals affected with ITK-related conditions. Invitae Evidence Modeling of protein sequence and biophysical properties (such as structural, functional, and spatial information, amino acid conservation, physicochemical variation, residue mobility, and thermodynamic stability) indicates that this missense variant is not expected to disrupt ITK protein function with a negative predictive value of 95%. In summary, the available evidence is currently insufficient to determine the role of this variant in disease. Therefore, it has been classified as a Variant of Uncertain Significance.

NM_005546.4(ITK):c.844G>C (p.Val282Leu)

Gene: ITK (IL2 inducible T cell kinase; plus strand). Cytogenetic location: 5q33.3.
Variant type: single nucleotide variant.
Coding change: c.844G>C on transcript NM_005546.4 (MANE Select); coding-DNA position 844, G replaced by C.
Protein change: p.Val282Leu; replaces valine 282 with leucine.
Molecular consequence: missense variant.
Genome position (GRCh38, 1-based): chr5:157,238,184, G>C. VCF-style: chr5-157238184-G-C. GRCh37 (hg19) VCF-style: chr5-156665194-G-C.
Other names: short protein forms V282L.
Identifiers: ClinVar variation 2736044 (VCV002736044.3), dbSNP rs202191474, ClinGen allele CA3532909.
Genomic context (GRCh38, chr5:157,238,184, plus strand): 5'-TTCATGGTAAGGGATTCCAGGACTGCAGGAACATACACCGTGTCTGTTTTCACCAAGGCT[G>C]TTGTAAGGTATGGAGCTAACTCTGCTCAGCAAAGTGGAGAGAAACACTTCTGAAGTGTGT-3'
Protein context (NP_005537.3, residues 272-292): TYTVSVFTKA[Val282Leu]VSENNPCIKH